The following is an entry in ClinVar:

NM_178012.5(TUBB2B):c.893A>T (p.Asn298Ile)

Gene: TUBB2B (tubulin beta 2B class IIb; minus strand). Cytogenetic location: 6p25.2.
Variant type: single nucleotide variant.
Coding change: c.893A>T on transcript NM_178012.5 (MANE Select); coding-DNA position 893, A replaced by T.
Protein change: p.Asn298Ile; replaces asparagine 298 with isoleucine.
Molecular consequence: missense variant.
Genome position (GRCh38, 1-based): chr6:3,225,196, T>A on the plus strand (A>T on the coding strand, the complement: TUBB2B is on the minus strand). VCF-style: chr6-3225196-T-A. GRCh37 (hg19) VCF-style: chr6-3225430-T-A.
Other names: short protein forms N298I.
Identifiers: ClinVar variation 1686714 (VCV001686714.2), dbSNP rs2113819025, ClinGen allele CA362586536.

ClinVar aggregate classification (germline): Likely pathogenic (1 of 4 stars; one submission).

Submission:

GeneDx
Classification: Likely pathogenic. Last evaluated: 2022-01-14. Review status: criteria provided, single submitter. Criteria: GeneDx Variant Classification Process June 2021. Collection method: clinical testing. Allele origin: germline. Affected: yes.
Comment: Not observed at significant frequency in large population cohorts (gnomAD); Missense variants in this gene are often considered pathogenic (HGMD); In silico analysis supports that this missense variant has a deleterious effect on protein structure/function; Has not been previously published as pathogenic or benign to our knowledge; This variant is associated with the following publications: (PMID: 27010057)